The following continues an entry in ClinVar:

NM_000256.3(MYBPC3):c.1591G>C (p.Gly531Arg)

Gene: MYBPC3. ClinVar aggregate classification (germline): Conflicting classifications of pathogenicity. Pathogenic (4); Likely pathogenic (17); Uncertain significance (1).

Submissions 7 to 15 of 22:

Ambry Genetics
Classification: Likely pathogenic for Cardiovascular phenotype. Last evaluated: 2025-05-13. Review status: criteria provided, single submitter. Criteria: Ambry Variant Classification Scheme 2023. Collection method: clinical testing. Allele origin: germline.
Comment: The p.G531R variant (also known as c.1591G>C), located in coding exon 17 of the MYBPC3 gene, results from a G to C substitution at nucleotide position 1591. The glycine at codon 531 is replaced by arginine, an amino acid with dissimilar properties. This variant, and another variant leading to the same amino acid substitution (c.1591G>A), have been reported in individual(s) with features consistent with hypertrophic cardiomyopathy (HCM) (Girolami F et al. J Cardiovasc Med (Hagerstown), 2006 Aug;7:601-7; Olivotto I et al. Mayo Clin Proc, 2008 Jun;83:630-8; Garc&iacute;a-Castro M et al. Rev Esp Cardiol, 2009 Jan;62:48-56; Ho CY et al. Circ Cardiovasc Genet, 2009 Aug;2:314-21; Millat G et al. Eur J Med Genet, 2010 Jul;53:261-7; Waldm&uuml;ller S et al. Eur J Heart Fail, 2011 Nov;13:1185-92; Lopes LR et al. Heart, 2015 Feb;101:294-301; Rubattu S et al. Int J Mol Sci, 2016 Jul;17; Walsh R et al. Genet Med, 2017 Feb;19:192-203; external communication; Ambry internal data). In a functional study utilizing engineered heart tissue derived from MYBPC3 knockout cardiomyocytes, c.1591G>C p.G531R was unable to completely rescue the hypercontractile phenotype of the knockout tissue; however, the physiological relevance of this result is unclear (Wijnker PJ et al. J. Mol. Cell. Cardiol. 2016;97:82-92). This amino acid position is highly conserved in available vertebrate species. In addition, this alteration is predicted to be deleterious by in silico analysis. Based on the majority of available evidence to date, this variant is likely to be pathogenic.

PreventionGenetics, part of Exact Sciences
Classification: Likely pathogenic for MYBPC3-related condition. Last evaluated: 2025-05-02. Review status: criteria provided, single submitter. Criteria: ACMG Guidelines, 2015. Collection method: clinical testing. Allele origin: germline.
Comment: The MYBPC3 c.1591G>C variant is predicted to result in the amino acid substitution p.Gly531Arg. This variant has been reported in the heterozygous state in many individuals with hypertrophic cardiomyopathy (HCM, Girolami et al. 2006. PubMed ID: 16858239; Table S2, Coppini et al. 2014. PubMed ID: 25524337; Mazzaccara et al. 2022. PubMed ID: 36291626), has been noted to segregate with the disorder (Furqan et al. 2017. PubMed ID: 28986452), and has been associated with an earlier onset and more severe phenotype when co-occurred with another MYBPC3 variant (Millat et al. 2010. PubMed ID: 20624503; Rubattu et al. 2016. PubMed ID: 27483260). Additionally, this variant has been reported in an individual with left ventricular noncompaction cardiomyopathy (Table S3, Miszalski-Jamka et al. 2017. PubMed ID: 28798025). A functional study using engineered heart tissue showed that this variant impacts protein function (Wijnker et al. 2016. PubMed ID: 27108529). An alternate nucleotide change (c.1591G>A) that causes the same amino acid change (p.Gly531Arg) has been reported in the heterozygous state in multiple individuals affected with HCM (see for example, Table S2, Waldmüller et al. 2011. PubMed ID: 21750094; Table S1B, Walsh et al. 2017. PubMed ID: 27532257; Table S8, McGurk et al. 2023. PubMed ID: 37652022). Both variants are located within the critical C3 domain noted to be a hotspot for missense pathogenic variants (Helms et al. 2020. PubMed ID: 32841044; Bagnall et al. 2022. PubMed ID: 36252119). The c.1591G>C variant is reported in 0.0041% of alleles in individuals of African descent in gnomAD. This variant is consistently interpreted as likely pathogenic or pathogenic in ClinVar. This variant is interpreted as likely pathogenic.

Clinical Genetics Laboratory, Skane University Hospital Lund
Classification: Likely pathogenic for Hypertrophic cardiomyopathy 4. Last evaluated: 2024-11-21. Review status: criteria provided, single submitter. Criteria: ACMG Guidelines, 2015. Collection method: clinical testing. Allele origin: germline. Affected: yes.
Comment: ACMG criterias used: PS3, PS4, PM2 and PP3.

Victorian Clinical Genetics Services, Murdoch Childrens Research Institute
Classification: Likely pathogenic for Hypertrophic cardiomyopathy 4. Last evaluated: 2024-10-08. Review status: criteria provided, single submitter. Criteria: ACMG Guidelines, 2015. Collection method: clinical testing. Allele origin: germline. Affected: yes.
Comment: Based on the classification scheme VCGS_Germline_v1.3.4, this variant is classified as Likely pathogenic. Following criteria are met: 0102 - Loss of function is a known mechanism of disease in this gene and is associated with hypertrophic cardiomyopathy 4 (HCM; MIM#115197). (I) 0108 - This gene is associated with both recessive and dominant disease. Dominant inheritance is frequently reported in adult-onset conditions and recessive inheritance results in a more severe early onset phenotype (OMIM). (I) 0115 - Variants in this gene are known to have variable expressivity (PMID: 32841044). (I) 0200 - Variant is predicted to result in a missense amino acid change from glycine to arginine. (I) 0252 - This variant is homozygous. (I) 0304 - Variant is present in gnomAD (v2 and v3 (non-v2)) <0.01 for a recessive condition (8 heterozygotes, 0 homozygotes). A different nucleotide substitution resulting in the same amino acid change has also been observed in gnomAD (v2 and v3 (non-v2): 12 heterozygotes, 0 homozygotes). (SP) 0309 - An alternative amino acid change at the same position has been observed in gnomAD (v3) (p.(Gly531Trp): 1 heterozygote, 0 homozygotes). (I) 0501 - Missense variant consistently predicted to be damaging by multiple in silico tools or highly conserved with a major amino acid change. (SP) 0600 - Variant is located in the annotated Immunoglobulin I-set domain 3 domain (DECIPHER; PMID: 32841044). (I) 0710 - Another missense variant comparable to the one identified in this case has inconclusive previous evidence for pathogenicity. The p.(Gly531Trp) variant has been classified as a VUS by multiple clinical diagnostic laboratories (ClinVar). (I) 0801 - This variant has strong previous evidence of pathogenicity in unrelated individuals. This variant (G>C) and a different nucleotide substitution (G>A), which result in the same amino acid change, have been classified as likely pathogenic and pathogenic by multiple clinical diagnostic laboratories and have been reported in multiple individuals with HCM (ClinVar; Atlas of Cardiac Genetic Variation; PMIDs: 21750094, 24793961, 28356264, 31941943, 32841044, 36291626). Additionally, this amino acid change has also been classified as a VUS by two clinical diagnostic laboratories and has also been reported in one individual with left ventricular noncompaction cardiomyopathy (ClinVar; PMID: 28798025). (SP) 1002 - This variant has moderate functional evidence supporting abnormal protein function. Mutant constructs transfected into knockout engineered heart cells mice tissues and expressed either as heterozygous or homozygous demonstrated abnormal force and contraction velocity compared to WT (PMID: 27108529). (SP) 1208 - Inheritance information for this variant is not currently available in this individual. (I) Legend: (SP) - Supporting pathogenic, (I) - Information, (SB) - Supporting benign

Blueprint Genetics
Classification: Uncertain significance. Last evaluated: 2024-10-02. Review status: criteria provided, single submitter. Criteria: ACMG Guidelines, 2015. Collection method: clinical testing. Allele origin: germline.

All of Us Research Program, National Institutes of Health
Classification: Likely pathogenic for Hypertrophic cardiomyopathy. Last evaluated: 2024-09-23. Review status: criteria provided, single submitter. Criteria: ACMG Guidelines, 2015. Collection method: clinical testing. Allele origin: germline. Inheritance: Autosomal dominant inheritance. Observed: 13 variant alleles, 13 heterozygotes.
Comment: This missense variant replaces glycine with arginine at codon 531 of the MYBPC3 protein. Computational prediction tools and conservation analyses suggest that this variant may have a deleterious impact on the protein function. In heart tissue engineered from mouse cardiac cells, this variant in heterozygous state was associated with a hypercontractile phenotype (PMID: 27108529). This variant has been reported in over ten unrelated individuals affected with hypertrophic cardiomyopathy (PMID: 16858239, 18533079, 20173211, 20624503, 21835320, 23508784, 23690394, 27483260, 27532257, 27600940, 28193612, 28241245, 28986452, 31941943, 32228044, 32369506, 36291626). Two of these individuals carried a second pathogenic variant either in the same gene (PMID: 20624503) or in another gene (PMID: 32228044). This variant has also been reported in an individual affected with left ventricular non-compaction (PMID: 28798025). This variant has been identified in 5/278462 chromosomes in the general population by the Genome Aggregation Database (gnomAD). A different variant causing the same amino acid change, c.1591G>A p.Gly531Arg, is also considered to be disease-causing (ClinVar variation ID: 164109). In summary, this variant has shown a relevant phenotype in an experimental study and has been observed in multiple individuals affected with hypertrophic cardiomyopathy. Based on available evidence, this variant is classified as Likely Pathogenic.

This study involves interpretation of variants in research participants for the purpose of population health screening. Participant phenotype was not available at the time of variant classification. Additional details can be found in publication PMID: 35346344, PMCID: PMC8962531

Fulgent Genetics
Classification: Likely pathogenic for Hypertrophic cardiomyopathy 4; Left ventricular noncompaction 10. Last evaluated: 2024-04-23. Review status: criteria provided, single submitter. Criteria: ACMG Guidelines, 2015. Collection method: clinical testing. Allele origin: germline.

Mayo Clinic Laboratories, Mayo Clinic
Classification: Likely pathogenic. Last evaluated: 2024-04-12. Review status: criteria provided, single submitter. Criteria: ACMG Guidelines, 2015. Collection method: clinical testing. Allele origin: germline. Observed: 1 variant allele.
Comment: PP3, PM2, PM3_supporting, PS3_supporting, PS4_moderate

Molecular Diagnostic Laboratory for Inherited Cardiovascular Disease, Montreal Heart Institute
Classification: Pathogenic for Cardiovascular phenotype. Last evaluated: 2024-01-30. Review status: criteria provided, single submitter. Criteria: ACMG Guidelines, 2015. Collection method: clinical testing. Allele origin: germline. Affected: yes.
Comment: PS1, PS4, PS3_mod, PM2, PP3, PP5